The following is an entry in ClinVar:

ClinVar aggregate classification (germline): Conflicting classifications of pathogenicity. Review status: criteria provided, conflicting classifications (1 of 4 stars). 2 submissions from 2 submitters: Pathogenic (1); Uncertain significance (1). Last evaluated 2023-08-10.

gnomAD v4.1: 60 of 1,614,090 alleles (0.0037%); highest among the groups gnomAD compares: Non-Finnish European, 0.005%; no homozygotes.

Submissions (2):

Labcorp Genetics (formerly Invitae), Labcorp
Classification: Pathogenic. Last evaluated: 2023-08-10. Review status: criteria provided, single submitter. Criteria: Invitae Variant Classification Sherloc (09022015). Collection method: clinical testing. Allele origin: germline.
Comment: This sequence change replaces arginine, which is basic and polar, with glycine, which is neutral and non-polar, at codon 1843 of the ABCA4 protein (p.Arg1843Gly). This variant is not present in population databases (gnomAD no frequency). This missense change has been observed in individual(s) with Stargardt disease (Invitae). ClinVar contains an entry for this variant (Variation ID: 1960314). Advanced modeling of protein sequence and biophysical properties (such as structural, functional, and spatial information, amino acid conservation, physicochemical variation, residue mobility, and thermodynamic stability) performed at Invitae indicates that this missense variant is expected to disrupt ABCA4 protein function. This variant disrupts the p.Arg1843 amino acid residue in ABCA4. Other variant(s) that disrupt this residue have been determined to be pathogenic (PMID: 32307445; Invitae). This suggests that this residue is clinically significant, and that variants that disrupt this residue are likely to be disease-causing. For these reasons, this variant has been classified as Pathogenic.

Blueprint Genetics
Classification: Uncertain significance. Last evaluated: 2023-07-11. Review status: criteria provided, single submitter. Criteria: ACMG Guidelines, 2015. Collection method: clinical testing. Allele origin: germline.

Literature cited by the submitters: PubMed 32307445 (cited by Labcorp Genetics (formerly Invitae), Labcorp).

NM_000350.3(ABCA4):c.5527C>G (p.Arg1843Gly)

Gene: ABCA4 (ATP binding cassette subfamily A member 4; minus strand). Cytogenetic location: 1p22.1.
Variant type: single nucleotide variant.
Coding change: c.5527C>G on transcript NM_000350.3 (MANE Select); coding-DNA position 5527, C replaced by G.
Protein change: p.Arg1843Gly; replaces arginine 1843 with glycine.
Molecular consequence: missense variant.
Genome position (GRCh38, 1-based): chr1:94,011,319, G>C on the plus strand (C>G on the coding strand, the complement: ABCA4 is on the minus strand). VCF-style: chr1-94011319-G-C. GRCh37 (hg19) VCF-style: chr1-94476875-G-C.
Other names: c.5305C>G, p.Arg1769Gly (NM_001425324.1); short protein forms R1843G, R1769G.
Identifiers: ClinVar variation 1960314 (VCV001960314.6), dbSNP rs62642576, ClinGen allele CA341281080.